The following is an entry in ClinVar:

ClinVar aggregate classification (germline): Uncertain significance (1 of 4 stars; one submission).

Submission:

Labcorp Genetics (formerly Invitae), Labcorp
Classification: Uncertain significance. Last evaluated: 2024-10-29. Review status: criteria provided, single submitter. Criteria: Invitae Variant Classification Sherloc (09022015). Collection method: clinical testing. Allele origin: germline.
Comment: This variant, c.1414_1416dup, results in the insertion of 1 amino acid(s) of the COQ8B protein (p.Val472dup), but otherwise preserves the integrity of the reading frame. This variant is not present in population databases (gnomAD no frequency). This variant has not been reported in the literature in individuals affected with COQ8B-related conditions. ClinVar contains an entry for this variant (Variation ID: 1964803). In summary, the available evidence is currently insufficient to determine the role of this variant in disease. Therefore, it has been classified as a Variant of Uncertain Significance.

NM_024876.4(COQ8B):c.1414_1416dup (p.Val472_Leu473insVal)

Gene: COQ8B (coenzyme Q8B; minus strand). Cytogenetic location: 19q13.2.
Variant type: Duplication.
Coding change: c.1414_1416dup on transcript NM_024876.4 (MANE Select); coding-DNA positions 1414 to 1416, 3 bases duplicated (GTG; older notation c.1414_1416dupGTG).
Protein change: p.Val472_Leu473insVal.
Molecular consequence: inframe insertion.
Genome position (GRCh38, 1-based): chr19:40,692,254-40,692,256, CAC duplicated on the plus strand (GTG on the coding strand, the reverse complement: COQ8B is on the minus strand); duplicating any 3 consecutive bases within chr19:40,692,254-40,692,257 gives the same sequence; the c. name uses the placement nearest the transcript's 3' end. VCF-style (leftmost placement, unchanged base first): chr19-40692253-G-GCAC. GRCh37 (hg19) VCF-style: chr19-41198158-G-GCAC.
Other names: c.1291_1293dup, p.Val431_Leu432insVal (NM_001142555.3).
Identifiers: ClinVar variation 1964803 (VCV001964803.5), dbSNP rs2081977417, ClinGen allele CA995906765.